The following is an entry in ClinVar:

NM_001165963.4(SCN1A):c.1377+52G>A

Gene: SCN1A (sodium voltage-gated channel alpha subunit 1; minus strand). Cytogenetic location: 2q24.3.
Variant type: single nucleotide variant.
Coding change: c.1377+52G>A on transcript NM_001165963.4 (MANE Select); 52 bases into the intron after coding-DNA position 1377, G replaced by A.
Molecular consequence: intron variant.
Genome position (GRCh38, 1-based): chr2:166,046,718, C>T on the plus strand (G>A on the coding strand, the complement: SCN1A is on the minus strand). VCF-style: chr2-166046718-C-T. GRCh37 (hg19) VCF-style: chr2-166903228-C-T.
Other names: c.1377+52G>A (NM_001353949.2, NM_001353958.2, NM_001353950.2 and 10 more transcripts); c.-1049+52G>A (NM_001353961.2).
Identifiers: ClinVar variation 670598 (VCV000670598.4), dbSNP rs6432861, ClinGen allele CA11036206.

ClinVar aggregate classification (germline): Benign. Review status: criteria provided, multiple submitters, no conflicts (2 of 4 stars). 3 submissions from 3 submitters: Benign (3). Last evaluated 2024-07-15.

Allele frequency attached by ClinVar (database versions not stated): TOPMed 0.47460; gnomAD 0.48236 and 0.48646; ESP Exome Variant Server 0.48308; 1000 Genomes Project 30x 0.48969; 1000 Genomes Project 0.49780; gnomAD exomes 0.53739.
gnomAD v4.1: 832,850 of 1,565,320 alleles (53%); highest among the groups gnomAD compares: East Asian, 56%; 223,891 homozygotes.

Submissions (3):

Unidad de Genómica Garrahan, Hospital de Pediatría Garrahan
Classification: Benign. Last evaluated: 2024-07-15. Review status: criteria provided, single submitter. Criteria: ACMG Guidelines, 2015. Collection method: clinical testing. Allele origin: germline. Affected: no. Observed: 68 variant alleles.
Comment: This variant is classified as Benign based on local population frequency. This variant was detected in 73% of patients studied in a panel designed for Epileptic and Developmental Encephalopathy and Progressive Myoclonus Epilepsy. Number of patients: 68. Only high quality variants are reported.

GeneDx
Classification: Benign. Last evaluated: 2018-06-14. Review status: criteria provided, single submitter. Criteria: GeneDx Variant Classification (06012015). Collection method: clinical testing. Allele origin: germline. Affected: yes.
Comment: This variant is considered likely benign or benign based on one or more of the following criteria: it is a conservative change, it occurs at a poorly conserved position in the protein, it is predicted to be benign by multiple in silico algorithms, and/or has population frequency not consistent with disease.

Breakthrough Genomics
Classification: Benign. Review status: criteria provided, single submitter. Criteria: ACMG Guidelines, 2015. Collection method: not provided. Allele origin: germline. Inheritance: Autosomal dominant inheritance. Affected: yes.